The following is an entry in ClinVar:

ClinVar aggregate classification (germline): Likely pathogenic (1 of 4 stars; one submission).

Allele frequency attached by ClinVar (database versions not stated): gnomAD exomes below 0.00001; gnomAD 0.00001; TOPMed 0.00002.
gnomAD v4.1: 3 of 1,613,862 alleles (0.00019%); highest among the groups gnomAD compares: Admixed American, 0.0017%; no homozygotes.

Submission:

Labcorp Genetics (formerly Invitae), Labcorp
Classification: Likely pathogenic. Last evaluated: 2023-07-26. Review status: criteria provided, single submitter. Criteria: Invitae Variant Classification Sherloc (09022015). Collection method: clinical testing. Allele origin: germline.
Comment: In summary, the currently available evidence indicates that the variant is pathogenic, but additional data are needed to prove that conclusively. Therefore, this variant has been classified as Likely Pathogenic. Algorithms developed to predict the effect of sequence changes on RNA splicing suggest that this variant may disrupt the consensus splice site. This variant has not been reported in the literature in individuals affected with CEP152-related conditions. This variant is not present in population databases (gnomAD no frequency). This sequence change affects an acceptor splice site in intron 18 of the CEP152 gene. It is expected to disrupt RNA splicing. Variants that disrupt the donor or acceptor splice site typically lead to a loss of protein function (PMID: 16199547), and loss-of-function variants in CEP152 are known to be pathogenic (PMID: 21131973).

Literature cited by the submitters: PubMed 16199547; PubMed 21131973.

NM_001194998.2(CEP152):c.2563-2A>G

Gene: CEP152 (centrosomal protein 152; minus strand). Cytogenetic location: 15q21.1.
Variant type: single nucleotide variant.
Coding change: c.2563-2A>G on transcript NM_001194998.2 (MANE Select); the canonical splice acceptor site of the intron before coding-DNA position 2563, A replaced by G.
Molecular consequence: splice acceptor variant.
Genome position (GRCh38, 1-based): chr15:48,760,268, T>C on the plus strand (A>G on the coding strand, the complement: CEP152 is on the minus strand). VCF-style: chr15-48760268-T-C. GRCh37 (hg19) VCF-style: chr15-49052465-T-C.
Other names: c.2563-2A>G (NM_014985.4).
Identifiers: ClinVar variation 2999674 (VCV002999674.3), dbSNP rs1040173915, ClinGen allele CA269541518.